The following is an entry in ClinVar:

ClinVar aggregate classification (germline): Uncertain significance (1 of 4 stars; one submission).

gnomAD v4.1: 5 of 1,614,066 alleles (0.00031%); highest among the groups gnomAD compares: South Asian, 0.0022%; no homozygotes.

Submission:

Labcorp Genetics (formerly Invitae), Labcorp
Classification: Uncertain significance. Last evaluated: 2025-01-20. Review status: criteria provided, single submitter. Criteria: Invitae Variant Classification Sherloc (09022015). Collection method: clinical testing. Allele origin: germline.
Comment: This sequence change replaces arginine, which is basic and polar, with histidine, which is basic and polar, at codon 1143 of the ANK1 protein (p.Arg1143His). This variant is present in population databases (rs760698540, gnomAD 0.006%). This variant has not been reported in the literature in individuals affected with ANK1-related conditions. Invitae Evidence Modeling of protein sequence and biophysical properties (such as structural, functional, and spatial information, amino acid conservation, physicochemical variation, residue mobility, and thermodynamic stability) indicates that this missense variant is expected to disrupt ANK1 protein function with a positive predictive value of 80%. In summary, the available evidence is currently insufficient to determine the role of this variant in disease. Therefore, it has been classified as a Variant of Uncertain Significance.

NM_000037.4(ANK1):c.3428G>A (p.Arg1143His)

Gene: ANK1 (ankyrin 1; minus strand). Cytogenetic location: 8p11.21.
Variant type: single nucleotide variant.
Coding change: c.3428G>A on transcript NM_000037.4 (MANE Select); coding-DNA position 3428, G replaced by A.
Protein change: p.Arg1143His; replaces arginine 1143 with histidine.
Molecular consequence: missense variant.
Genome position (GRCh38, 1-based): chr8:41,694,002, C>T on the plus strand (G>A on the coding strand, the complement: ANK1 is on the minus strand). VCF-style: chr8-41694002-C-T. GRCh37 (hg19) VCF-style: chr8-41551520-C-T.
Other names: c.3551G>A, p.Arg1184His (NM_001142446.2); c.3428G>A, p.Arg1143His (NM_020475.3, NM_020476.3, NM_020477.3); short protein forms R1143H, R1184H.
Identifiers: ClinVar variation 3682227 (VCV003682227.2).
Genomic context (GRCh38, chr8:41,694,002, plus strand): 5'-CCGCTGTCCCTCGGGTTGTCGGTCCAGGAAGGAGGTAGTGGGATCCGAAGCCCAATGGGG[C>T]GGTGGAACTTCCGGCGCCGGGGCTCCACGGTGACAATGGGGCTGAATGTGGCCTGGTTGC-3'
Protein context (NP_000028.3, residues 1133-1153): TVEPRRRKFH[Arg1143His]PIGLRIPLPP